The following is an entry in ClinVar:

ClinVar aggregate classification (germline): Benign (1 of 4 stars; one submission).

Allele frequency attached by ClinVar (database versions not stated): 1000 Genomes Project 30x 0.07370; 1000 Genomes Project 0.07827; TOPMed 0.09661; gnomAD 0.10312 and 0.10420.
gnomAD v4.1: 15,856 of 152,204 alleles (10%); highest among the groups gnomAD compares: Non-Finnish European, 14%; 1,013 homozygotes.

Submission:

GeneDx
Classification: Benign. Last evaluated: 2018-06-14. Review status: criteria provided, single submitter. Criteria: GeneDx Variant Classification (06012015). Collection method: clinical testing. Allele origin: germline. Affected: yes.
Comment: This variant is considered likely benign or benign based on one or more of the following criteria: it is a conservative change, it occurs at a poorly conserved position in the protein, it is predicted to be benign by multiple in silico algorithms, and/or has population frequency not consistent with disease.

NM_001244008.2(KIF1A):c.429+267G>A

Gene: KIF1A (kinesin family member 1A; minus strand). Cytogenetic location: 2q37.3.
Variant type: single nucleotide variant.
Coding change: c.429+267G>A on transcript NM_001244008.2 (MANE Select); 267 bases into the intron after coding-DNA position 429, G replaced by A.
Molecular consequence: intron variant.
Genome position (GRCh38, 1-based): chr2:240,786,984, C>T on the plus strand (G>A on the coding strand, the complement: KIF1A is on the minus strand). VCF-style: chr2-240786984-C-T. GRCh37 (hg19) VCF-style: chr2-241726401-C-T.
Other names: c.429+267G>A (NM_001379653.1, NM_001379650.1, NM_001379645.1 and 20 more transcripts).
Identifiers: ClinVar variation 683891 (VCV000683891.1), dbSNP rs75875961, ClinGen allele CA11346632.